The following is an entry in ClinVar:

ClinVar aggregate classification (germline): Pathogenic (1 of 4 stars; one submission).

Conditions:
Combined immunodeficiency due to LRBA deficiency. Also called: Common variable immunodeficiency 8, with autoimmunity. Identifiers: Orphanet 445018, MedGen C3553512, MONDO:0013863, OMIM 614700.

Submission:

Labcorp Genetics (formerly Invitae), Labcorp
Classification: Pathogenic for Combined immunodeficiency due to LRBA deficiency. Last evaluated: 2026-01-13. Review status: criteria provided, single submitter. Criteria: Invitae Variant Classification Sherloc (09022015). Collection method: clinical testing. Allele origin: germline.
Comment: This sequence change creates a premature translational stop signal (p.Asp1927Asnfs*11) in the LRBA gene. It is expected to result in an absent or disrupted protein product. Loss-of-function variants in LRBA are known to be pathogenic (PMID: 26206937, 26768763). This variant is not present in population databases (gnomAD no frequency). This variant has not been reported in the literature in individuals affected with LRBA-related conditions. For these reasons, this variant has been classified as Pathogenic.

Literature cited by the submitters: PubMed 26206937; PubMed 26768763.

NM_001364905.1(LRBA):c.5779_5782del (p.Asp1927fs)

Gene: LRBA (LPS responsive beige-like anchor protein; minus strand). Cytogenetic location: 4q31.3.
Variant type: Deletion.
Coding change: c.5779_5782del on transcript NM_001364905.1 (MANE Select); coding-DNA positions 5779 to 5782, 4 bases deleted (GACA; older notation c.5779_5782delGACA).
Protein change: p.Asp1927fs; shifts the reading frame from aspartic acid 1927.
Molecular consequence: frameshift variant.
Genome position (GRCh38, 1-based): chr4:150,683,690-150,683,693, TGTC deleted on the plus strand (GACA on the coding strand, the reverse complement: LRBA is on the minus strand); deleting any 4 consecutive bases within chr4:150,683,690-150,683,695 gives the same sequence; the c. name uses the placement nearest the transcript's 3' end. VCF-style (leftmost placement, unchanged base first): chr4-150683689-TTGTC-T. GRCh37 (hg19) VCF-style: chr4-151604841-TTGTC-T.
Other names: c.5779_5782del, p.Asp1927fs (NM_001199282.3, NM_001367550.1, NM_001440430.1 and 2 more transcripts); short protein forms D1927fs.
Identifiers: ClinVar variation 4799236 (VCV004799236.1).